The following is an entry in ClinVar:

ClinVar aggregate classification (germline): Uncertain significance (1 of 4 stars; one submission).

Submission:

Labcorp Genetics (formerly Invitae), Labcorp
Classification: Uncertain significance. Last evaluated: 2021-12-28. Review status: criteria provided, single submitter. Criteria: Invitae Variant Classification Sherloc (09022015). Collection method: clinical testing. Allele origin: germline.
Comment: In summary, the available evidence is currently insufficient to determine the role of this variant in disease. Therefore, it has been classified as a Variant of Uncertain Significance. Algorithms developed to predict the effect of sequence changes on RNA splicing suggest that this variant may create or strengthen a splice site. Algorithms developed to predict the effect of missense changes on protein structure and function (SIFT, PolyPhen-2, Align-GVGD) all suggest that this variant is likely to be tolerated. This variant has not been reported in the literature in individuals affected with EIF2AK3-related conditions. This variant is not present in population databases (gnomAD no frequency). This sequence change replaces isoleucine, which is neutral and non-polar, with valine, which is neutral and non-polar, at codon 310 of the EIF2AK3 protein (p.Ile310Val).

NM_004836.7(EIF2AK3):c.928A>G (p.Ile310Val)

Gene: EIF2AK3 (eukaryotic translation initiation factor 2 alpha kinase 3; minus strand). Cytogenetic location: 2p11.2.
Variant type: single nucleotide variant.
Coding change: c.928A>G on transcript NM_004836.7 (MANE Select); coding-DNA position 928, A replaced by G.
Protein change: p.Ile310Val; replaces isoleucine 310 with valine.
Molecular consequence: missense variant.
Genome position (GRCh38, 1-based): chr2:88,590,892, T>C on the plus strand (A>G on the coding strand, the complement: EIF2AK3 is on the minus strand). VCF-style: chr2-88590892-T-C. GRCh37 (hg19) VCF-style: chr2-88890410-T-C.
Other names: c.475A>G, p.Ile159Val (NM_001313915.2); short protein forms I310V, I159V.
Identifiers: ClinVar variation 1360632 (VCV001360632.4), dbSNP rs191277311, ClinGen allele CA347595892.
Genomic context (GRCh38, chr2:88,590,892, plus strand): 5'-CCAGATGTCCTCCCTTCTTACTGAATGCCATAACTTTCCAGTCAGCAACCGAAACCTTTA[T>C]CACTATGTCCATTATGGCAGCTTCCTGTTCTTCCACATCTGAAATAATTTTAGACTCTTC-3'
Protein context (NP_004827.4, residues 300-320): EQEAAIMDIV[Ile310Val]KVSVADWKVM